The following is an entry in ClinVar:

ClinVar aggregate classification (germline): Uncertain significance (1 of 4 stars; one submission).

Conditions:
Retinitis pigmentosa 88. Identifiers: MedGen C5394208, MONDO:0032940, OMIM 618826.

Allele frequency attached by ClinVar (database versions not stated): gnomAD 0.00001; TOPMed below 0.00001 and 0.00001.
gnomAD v4.1: 3 of 1,610,462 alleles (0.00019%); highest among the groups gnomAD compares: Non-Finnish European, 0.00025%; no homozygotes.

Submission:

Centre for Mendelian Genomics, University Medical Centre Ljubljana
Classification: Uncertain significance for Retinitis pigmentosa 88. Last evaluated: 2019-06-04. Review status: criteria provided, single submitter. Criteria: ACMG Guidelines, 2015. Collection method: clinical testing. Allele origin: unknown. Affected: yes.
Comment: This variant was classified as: Uncertain significance. The available evidence on this variant's pathogenicity is insufficient or conflicting. The following ACMG criteria were applied in classifying this variant: PM2,BP4.

NM_178857.6(RP1L1):c.3203G>A (p.Cys1068Tyr)

Gene: RP1L1 (RP1 like 1). Cytogenetic location: 8p23.1.
Variant type: single nucleotide variant.
Coding change: c.3203G>A on transcript NM_178857.6 (MANE Select); coding-DNA position 3203, G replaced by A.
Protein change: p.Cys1068Tyr; replaces cysteine 1068 with tyrosine.
Molecular consequence: missense variant.
Genome position (GRCh38, 1-based): chr8:10,610,895, C>T on the plus strand (G>A on the coding strand, the complement: RP1L1 is on the minus strand). VCF-style: chr8-10610895-C-T. GRCh37 (hg19) VCF-style: chr8-10468405-C-T.
Other names: short protein forms C1068Y.
Identifiers: ClinVar variation 931528 (VCV000931528.3), dbSNP rs775897747, ClinGen allele CA370289142.